The following is an entry in ClinVar:

ClinVar aggregate classification (germline): Benign/Likely benign. Review status: criteria provided, multiple submitters, no conflicts (2 of 4 stars). 6 submissions from 6 submitters: Benign (2); Likely benign (4). Last evaluated 2026-02-01.

Conditions:
Mowat-Wilson syndrome (MOWS). Also called: Classic Mowat-Wilson Syndrome. Identifiers: Orphanet 2152, MedGen C1856113, MONDO:0009341, OMIM 235730.

Allele frequency attached by ClinVar (database versions not stated): ESP Exome Variant Server 0.00008; gnomAD 0.00013 and 0.00014; gnomAD exomes 0.00015 and 0.00017; TOPMed 0.00015; ExAC 0.00016.
gnomAD v4.1: 241 of 1,614,018 alleles (0.015%); highest among the groups gnomAD compares: Non-Finnish European, 0.011%; 1 homozygote.

Submissions (6):

CeGaT Center for Human Genetics Tuebingen
Classification: Likely benign. Last evaluated: 2026-02-01. Review status: criteria provided, single submitter. Criteria: CeGaT Center For Human Genetics Tuebingen Variant Classification Criteria Version 2. Collection method: clinical testing. Allele origin: germline. Affected: yes. Observed: 4 variant alleles.
Comment: ZEB2: BP4, BP7

Labcorp Genetics (formerly Invitae), Labcorp
Classification: Likely benign for Mowat-Wilson syndrome. Last evaluated: 2026-01-12. Review status: criteria provided, single submitter. Criteria: Invitae Variant Classification Sherloc (09022015). Collection method: clinical testing. Allele origin: germline.

Blueprint Genetics
Classification: Likely benign. Last evaluated: 2024-11-07. Review status: criteria provided, single submitter. Criteria: ACMG Guidelines, 2015. Collection method: clinical testing. Allele origin: germline.

Genome-Nilou Lab
Classification: Benign for Mowat-Wilson syndrome. Last evaluated: 2021-11-07. Review status: criteria provided, single submitter. Criteria: ACMG Guidelines, 2015. Collection method: clinical testing. Allele origin: germline. Affected: no.

Eurofins Ntd Llc (ga)
Classification: Likely benign. Last evaluated: 2015-06-16. Review status: criteria provided, single submitter. Criteria: EGL Classification Definitions 2015. Collection method: clinical testing. Allele origin: germline. Observed: 2 variant alleles, 2 heterozygotes.

GeneDx
Classification: Benign. Last evaluated: 2014-03-13. Review status: criteria provided, single submitter. Criteria: GeneDx Variant Classification (06012015). Collection method: clinical testing. Allele origin: germline. Affected: yes.
Comment: This variant is considered likely benign or benign based on one or more of the following criteria: it is a conservative change, it occurs at a poorly conserved position in the protein, it is predicted to be benign by multiple in silico algorithms, and/or has population frequency not consistent with disease.

NM_014795.4(ZEB2):c.1848T>G (p.Pro616=)

Gene: ZEB2 (zinc finger E-box binding homeobox 2; minus strand). Cytogenetic location: 2q22.3.
Variant type: single nucleotide variant.
Coding change: c.1848T>G on transcript NM_014795.4 (MANE Select); coding-DNA position 1848, T replaced by G.
Protein change: p.Pro616=; no amino-acid change (proline 616 retained).
Molecular consequence: synonymous variant.
Genome position (GRCh38, 1-based): chr2:144,399,339, A>C on the plus strand (T>G on the coding strand, the complement: ZEB2 is on the minus strand). VCF-style: chr2-144399339-A-C. GRCh37 (hg19) VCF-style: chr2-145156906-A-C.
Other names: p.P616P:CCT>CCG; c.1776T>G, p.Pro592= (NM_001171653.2).
Identifiers: ClinVar variation 95625 (VCV000095625.47), dbSNP rs144835963, ClinGen allele CA223157.